The following is an entry in ClinVar:

ClinVar aggregate classification (germline): Uncertain significance. Review status: criteria provided, multiple submitters, no conflicts (2 of 4 stars). 2 submissions from 2 submitters: Uncertain significance (2). Last evaluated 2025-10-13.

Conditions:
Inborn genetic diseases. Identifiers: MedGen C0950123, MeSH D030342.

gnomAD v4.1: 2 of 1,610,604 alleles (0.00012%); highest among the groups gnomAD compares: Non-Finnish European, 0.00017%; no homozygotes.

Submissions (2):

Labcorp Genetics (formerly Invitae), Labcorp
Classification: Uncertain significance. Last evaluated: 2025-10-13. Review status: criteria provided, single submitter. Criteria: Invitae Variant Classification Sherloc (09022015). Collection method: clinical testing. Allele origin: germline.
Comment: This sequence change replaces isoleucine, which is neutral and non-polar, with valine, which is neutral and non-polar, at codon 316 of the MDH2 protein (p.Ile316Val). This variant is present in population databases (rs782820631, gnomAD 0.002%). This variant has not been reported in the literature in individuals affected with MDH2-related conditions. ClinVar contains an entry for this variant (Variation ID: 3394045). Invitae Evidence Modeling of protein sequence and biophysical properties (such as structural, functional, and spatial information, amino acid conservation, physicochemical variation, residue mobility, and thermodynamic stability) indicates that this missense variant is not expected to disrupt MDH2 protein function with a negative predictive value of 80%. In summary, the available evidence is currently insufficient to determine the role of this variant in disease. Therefore, it has been classified as a Variant of Uncertain Significance.

Ambry Genetics
Classification: Uncertain significance for Inborn genetic diseases. Last evaluated: 2024-11-01. Review status: criteria provided, single submitter. Criteria: Ambry Variant Classification Scheme 2023. Collection method: clinical testing. Allele origin: germline.
Comment: The p.I316V variant (also known as c.946A>G), located in coding exon 9 of the MDH2 gene, results from an A to G substitution at nucleotide position 946. The isoleucine at codon 316 is replaced by valine, an amino acid with highly similar properties. This amino acid position is conserved. In addition, this alteration is predicted to be tolerated by in silico analysis. Based on the available evidence, the clinical significance of this variant remains unclear.

NM_005918.4(MDH2):c.946A>G (p.Ile316Val)

Gene: MDH2 (malate dehydrogenase 2; plus strand). Cytogenetic location: 7q11.23.
Variant type: single nucleotide variant.
Coding change: c.946A>G on transcript NM_005918.4 (MANE Select); coding-DNA position 946, A replaced by G.
Protein change: p.Ile316Val; replaces isoleucine 316 with valine.
Molecular consequence: missense variant.
Genome position (GRCh38, 1-based): chr7:76,066,339, A>G. VCF-style: chr7-76066339-A-G. GRCh37 (hg19) VCF-style: chr7-75695657-A-G.
Other names: c.820A>G, p.Ile274Val (NM_001282403.2); c.625A>G, p.Ile209Val (NM_001282404.2); short protein forms I209V, I316V, I274V.
Identifiers: ClinVar variation 3394045 (VCV003394045.2).